The following is an entry in ClinVar:

ClinVar aggregate classification (germline): Benign/Likely benign. Review status: criteria provided, multiple submitters, no conflicts (2 of 4 stars). 6 submissions from 6 submitters: Benign (4); Likely benign (2). Last evaluated 2026-01-25.

Conditions:
BICC1-related disorder. Also called: BICC1-related condition.
Renal dysplasia, cystic, susceptibility to. Identifiers: MedGen C3275898, MONDO:0011037, OMIM 601331.

Allele frequency attached by ClinVar (database versions not stated): gnomAD exomes 0.00061 and 0.00187; ExAC 0.00225; 1000 Genomes Project 0.00559; 1000 Genomes Project 30x 0.00562; gnomAD 0.00653 and 0.00717; ESP Exome Variant Server 0.00784; TOPMed 0.00812.
gnomAD v4.1: 1,928 of 1,614,178 alleles (0.12%); highest among the groups gnomAD compares: African/African-American, 2.3%; 24 homozygotes.

Submissions (6):

Labcorp Genetics (formerly Invitae), Labcorp
Classification: Benign. Last evaluated: 2026-01-25. Review status: criteria provided, single submitter. Criteria: Invitae Variant Classification Sherloc (09022015). Collection method: clinical testing. Allele origin: germline.

PreventionGenetics, part of Exact Sciences
Classification: Benign for BICC1-related condition. Last evaluated: 2025-09-09. Review status: criteria provided, single submitter. Criteria: ACMG Guidelines, 2015. Collection method: clinical testing. Allele origin: germline.
Comment: This variant is classified as benign based on ACMG/AMP sequence variant interpretation guidelines (Richards et al. 2015 PMID: 25741868, with internal and published modifications).

Mayo Clinic Laboratories, Mayo Clinic
Classification: Benign. Last evaluated: 2023-10-12. Review status: criteria provided, single submitter. Criteria: ACMG Guidelines, 2015. Collection method: clinical testing. Allele origin: germline. Observed: 2 variant alleles.
Comment: BA1, BS2, BP4, BP7

Fulgent Genetics
Classification: Benign for Renal dysplasia, cystic, susceptibility to. Last evaluated: 2021-08-02. Review status: criteria provided, single submitter. Criteria: ACMG Guidelines, 2015. Collection method: clinical testing. Allele origin: unknown.

GeneDx
Classification: Likely benign. Last evaluated: 2021-04-02. Review status: criteria provided, single submitter. Criteria: GeneDx Variant Classification Process June 2021. Collection method: clinical testing. Allele origin: germline. Affected: yes.

Breakthrough Genomics
Classification: Likely benign. Review status: criteria provided, single submitter. Criteria: ACMG Guidelines, 2015. Collection method: not provided. Allele origin: germline. Inheritance: Autosomal dominant inheritance. Affected: yes.

NM_001080512.3(BICC1):c.846T>C (p.Ala282=)

Gene: BICC1 (BicC family RNA binding protein 1; plus strand). Cytogenetic location: 10q21.1.
Variant type: single nucleotide variant.
Coding change: c.846T>C on transcript NM_001080512.3 (MANE Select); coding-DNA position 846, T replaced by C.
Protein change: p.Ala282=; no amino-acid change (alanine 282 retained).
Molecular consequence: synonymous variant.
Genome position (GRCh38, 1-based): chr10:58,789,732, T>C. VCF-style: chr10-58789732-T-C. GRCh37 (hg19) VCF-style: chr10-60549492-T-C.
Other names: p.Ala282=.
Identifiers: ClinVar variation 786158 (VCV000786158.15), dbSNP rs145237525, ClinGen allele CA5508348.
Genomic context (GRCh38, chr10:58,789,732, plus strand): 5'-TTTCTCTTAGGAAGGAACTGCCATGCTGTTAGAACATCTTGCTGGGAGCTTAGCATCAGC[T>C]ATTCCTGTGAGCACACAACTAGATATTGCAGCTCAACATCATCTCTTTATGATGGGTCGA-3'
Protein context (NP_001073981.1, residues 272-292): LEHLAGSLAS[Ala282=]IPVSTQLDIA